The following is an entry in ClinVar:

ClinVar aggregate classification (germline): Benign/Likely benign. Review status: criteria provided, multiple submitters, no conflicts (2 of 4 stars). 3 submissions from 3 submitters: Benign (1); Likely benign (2). Last evaluated 2025-04-10.

Conditions:
Hereditary cancer-predisposing syndrome. Also called: Hereditary neoplastic syndrome; Hereditary Cancer Syndrome; Neoplastic Syndromes, Hereditary; Tumor predisposition. Identifiers: Orphanet 140162, MedGen C0027672, MeSH D009386, MONDO:0015356.
Tuberous sclerosis 1 (TSC1). Identifiers: Orphanet 805, MedGen C1854465, MONDO:0008612, OMIM 191100.

Allele frequency attached by ClinVar (database versions not stated): TOPMed below 0.00001; ExAC 0.00001; gnomAD exomes 0.00001 and below 0.00001.
gnomAD v4.1: 3 of 1,612,596 alleles (0.00019%); highest among the groups gnomAD compares: South Asian, 0.0022%; no homozygotes.

Submissions (3):

Myriad Genetics, Inc.
Classification: Benign for Tuberous sclerosis 1. Last evaluated: 2025-04-10. Review status: criteria provided, single submitter. Criteria: Myriad Autosomal Dominant, Autosomal Recessive and X-Linked Classification Criteria (2023). Collection method: clinical testing. Allele origin: unknown.
Comment: This variant is considered benign. This variant is a silent/synonymous amino acid change and it is not expected to impact splicing.

Labcorp Genetics (formerly Invitae), Labcorp
Classification: Likely benign for Tuberous sclerosis 1. Last evaluated: 2024-10-24. Review status: criteria provided, single submitter. Criteria: Invitae Variant Classification Sherloc (09022015). Collection method: clinical testing. Allele origin: germline.

Ambry Genetics
Classification: Likely benign for Hereditary cancer-predisposing syndrome. Last evaluated: 2021-03-22. Review status: criteria provided, single submitter. Criteria: Ambry Variant Classification Scheme 2023. Collection method: clinical testing. Allele origin: germline.

NM_000368.5(TSC1):c.1710G>A (p.Arg570=)

Gene: TSC1 (TSC complex subunit 1; minus strand). Cytogenetic location: 9q34.13.
Variant type: single nucleotide variant.
Coding change: c.1710G>A on transcript NM_000368.5 (MANE Select); coding-DNA position 1710, G replaced by A.
Protein change: p.Arg570=; no amino-acid change (arginine 570 retained).
Molecular consequence: synonymous variant.
Genome position (GRCh38, 1-based): chr9:132,905,868, C>T on the plus strand (G>A on the coding strand, the complement: TSC1 is on the minus strand). VCF-style: chr9-132905868-C-T. GRCh37 (hg19) VCF-style: chr9-135781255-C-T.
Other names: c.1707G>A, p.Arg569= (NM_001162426.2); c.1557G>A, p.Arg519= (NM_001162427.2); c.1347G>A, p.Arg449= (NM_001362177.2).
Identifiers: ClinVar variation 1602861 (VCV001602861.11), dbSNP rs777386797, ClinGen allele CA029505.
Genomic context (GRCh38, chr9:132,905,868, plus strand): 5'-AGGTGGAATTTTACAAGGACTGGGAGTGAAGATACTGGTCTCCAAAGAAGTCTGGCATTC[C>T]CTGTCTCCCGCAGGGCTTTCATCAGCACTGCCGCAGGGCAGGTCTATGGGAGTAAAGGCT-3'
Protein context (NP_000359.1, residues 560-580): GSADESPAGD[Arg570=]ECQTSLETSI